The following is an entry in ClinVar:

ClinVar aggregate classification (germline): Uncertain significance (1 of 4 stars; one submission).

Submission:

Labcorp Genetics (formerly Invitae), Labcorp
Classification: Uncertain significance. Last evaluated: 2022-08-23. Review status: criteria provided, single submitter. Criteria: Invitae Variant Classification Sherloc (09022015). Collection method: clinical testing. Allele origin: germline.
Comment: This sequence change replaces alanine, which is neutral and non-polar, with valine, which is neutral and non-polar, at codon 433 of the NCSTN protein (p.Ala433Val). This variant is not present in population databases (gnomAD no frequency). This variant has not been reported in the literature in individuals affected with NCSTN-related conditions. ClinVar contains an entry for this variant (Variation ID: 1466461). Algorithms developed to predict the effect of missense changes on protein structure and function (SIFT, PolyPhen-2, Align-GVGD) all suggest that this variant is likely to be tolerated. In summary, the available evidence is currently insufficient to determine the role of this variant in disease. Therefore, it has been classified as a Variant of Uncertain Significance.

NM_015331.3(NCSTN):c.1298C>T (p.Ala433Val)

Gene: NCSTN (nicastrin; plus strand). Cytogenetic location: 1q23.2.
Variant type: single nucleotide variant.
Coding change: c.1298C>T on transcript NM_015331.3 (MANE Select); coding-DNA position 1298, C replaced by T.
Protein change: p.Ala433Val; replaces alanine 433 with valine.
Molecular consequence: missense variant.
Genome position (GRCh38, 1-based): chr1:160,354,236, C>T. VCF-style: chr1-160354236-C-T. GRCh37 (hg19) VCF-style: chr1-160324026-C-T.
Other names: c.1238C>T, p.Ala413Val (NM_001290184.2); c.884C>T, p.Ala295Val (NM_001290186.2); c.1298C>T, p.Ala433Val (NM_001349729.2); short protein forms A295V, A413V, A433V.
Identifiers: ClinVar variation 1466461 (VCV001466461.8), dbSNP rs1571208846, ClinGen allele CA343281573.